The following is an entry in ClinVar:

ClinVar aggregate classification (germline): Uncertain significance (1 of 4 stars; one submission).

Conditions:
Sulfite oxidase deficiency. Also called: Isolated sulfite oxidase deficiency. Identifiers: Orphanet 833, Orphanet 99731, MedGen C0268624, MONDO:0010089, OMIM 272300, HP:0003643.

gnomAD v4.1: 1 of 1,614,222 alleles (0.000062%); highest among the groups gnomAD compares: South Asian, 0.0011%; no homozygotes.

Submission:

Labcorp Genetics (formerly Invitae), Labcorp
Classification: Uncertain significance for Sulfite oxidase deficiency. Last evaluated: 2024-02-04. Review status: criteria provided, single submitter. Criteria: Invitae Variant Classification Sherloc (09022015). Collection method: clinical testing. Allele origin: germline.
Comment: This sequence change replaces glutamine, which is neutral and polar, with arginine, which is basic and polar, at codon 518 of the SUOX protein (p.Gln518Arg). The frequency data for this variant in the population databases is considered unreliable, as metrics indicate poor data quality at this position in the gnomAD database. This variant has not been reported in the literature in individuals affected with SUOX-related conditions. Advanced modeling of protein sequence and biophysical properties (such as structural, functional, and spatial information, amino acid conservation, physicochemical variation, residue mobility, and thermodynamic stability) performed at Invitae indicates that this missense variant is expected to disrupt SUOX protein function with a positive predictive value of 80%. Experimental studies have shown that this missense change affects SUOX function (PMID: 34420858). In summary, the available evidence is currently insufficient to determine the role of this variant in disease. Therefore, it has been classified as a Variant of Uncertain Significance.

Literature cited by the submitters: PubMed 34420858.

NM_001032386.2(SUOX):c.1553A>G (p.Gln518Arg)

Gene: SUOX (sulfite oxidase; plus strand). Cytogenetic location: 12q13.2.
Variant type: single nucleotide variant.
Coding change: c.1553A>G on transcript NM_001032386.2 (MANE Select); coding-DNA position 1553, A replaced by G.
Protein change: p.Gln518Arg; replaces glutamine 518 with arginine.
Molecular consequence: missense variant.
Genome position (GRCh38, 1-based): chr12:56,004,942, A>G. VCF-style: chr12-56004942-A-G. GRCh37 (hg19) VCF-style: chr12-56398726-A-G.
Other names: c.1553A>G, p.Gln518Arg (NM_000456.3, NM_001032387.2); short protein forms Q518R.
Identifiers: ClinVar variation 3672746 (VCV003672746.2).
Genomic context (GRCh38, chr12:56,004,942, plus strand): 5'-CAGCTGGACAAAAGGAACTGAACATTGTTTGTAAGGCTGTGGATGATGGTTACAATGTGC[A>G]GCCAGACACCGTGGCCCCAATCTGGAACCTGCGAGGTGTTCTCAGCAATGCCTGGCATCG-3'
Protein context (NP_001027558.1, residues 508-528): CKAVDDGYNV[Gln518Arg]PDTVAPIWNL